The following is an entry in ClinVar:

NM_001384125.1(BLTP1):c.3762A>G (p.Ser1254=)

Gene: BLTP1 (bridge-like lipid transfer protein family member 1; plus strand). Cytogenetic location: 4q27.
Variant type: single nucleotide variant.
Coding change: c.3762A>G on transcript NM_001384125.1 (MANE Select); coding-DNA position 3762, A replaced by G.
Protein change: p.Ser1254=; no amino-acid change (serine 1254 retained).
Molecular consequence: synonymous variant.
Genome position (GRCh38, 1-based): chr4:122,238,279, A>G. VCF-style: chr4-122238279-A-G. GRCh37 (hg19) VCF-style: chr4-123159434-A-G.
Other names: c.3762A>G, p.Ser1254= (NM_015312.4).
Identifiers: ClinVar variation 3032858 (VCV003032858.2), dbSNP rs374753912, ClinGen allele CA3066231.
Genomic context (GRCh38, chr4:122,238,279, plus strand): 5'-AGAGAACAGTAGTTCTAGTGCTGCACAGCCTTTGTTGGCTGGTGAAAAGGAAAGTCCTTC[A>G]TCTGTTGCTGATGACCATTTGGTTCAAAAAGAGTTCTTGCATGGGACAAAAAGAGATGAT-3'
Protein context (NP_001371054.1, residues 1244-1264): PLLAGEKESP[Ser1254=]SVADDHLVQK

ClinVar aggregate classification (germline): Likely benign (0 of 4 stars; one submission).

Conditions:
BLTP1-related disorder. Also called: BLTP1-related condition.

Allele frequency attached by ClinVar (database versions not stated): ExAC 0.00002; gnomAD exomes 0.00003; gnomAD 0.00004; TOPMed 0.00005; ESP Exome Variant Server 0.00017.
gnomAD v4.1: 59 of 1,614,024 alleles (0.0037%); highest among the groups gnomAD compares: Non-Finnish European, 0.0045%; no homozygotes.

Submission:

PreventionGenetics, part of Exact Sciences
Classification: Likely benign for BLTP1-related condition. Last evaluated: 2020-11-10. Review status: no assertion criteria provided. Collection method: clinical testing. Allele origin: germline.
Comment: This variant is classified as likely benign based on ACMG/AMP sequence variant interpretation guidelines (Richards et al. 2015 PMID: 25741868, with internal and published modifications).